The following is an entry in ClinVar:

NM_033310.3(KCNK4):c.300C>G (p.Ile100Met)

Genes: KCNK4 (potassium two pore domain channel subfamily K member 4; plus strand), KCNK4-CATSPERZ (KCNK4-CATSPERZ readthrough (NMD candidate); plus strand). Cytogenetic location: 11q13.1.
Variant type: single nucleotide variant.
Coding change: c.300C>G on transcript NM_033310.3 (MANE Select); coding-DNA position 300, C replaced by G.
Protein change: p.Ile100Met; replaces isoleucine 100 with methionine.
Molecular consequence: missense variant. On other transcripts: non-coding transcript variant (3).
Genome position (GRCh38, 1-based): chr11:64,296,988, C>G. VCF-style: chr11-64296988-C-G. GRCh37 (hg19) VCF-style: chr11-64064460-C-G.
Other names: c.300C>G, p.Ile100Met (NM_001317090.2, NM_033311.1); short protein forms I100M.
Identifiers: ClinVar variation 2878097 (VCV002878097.3), dbSNP rs763746881, ClinGen allele CA6072979.

ClinVar aggregate classification (germline): Uncertain significance (1 of 4 stars; one submission).

Allele frequency attached by ClinVar (database versions not stated): ExAC 0.00002.

Submission:

Labcorp Genetics (formerly Invitae), Labcorp
Classification: Uncertain significance. Last evaluated: 2025-12-15. Review status: criteria provided, single submitter. Criteria: Invitae Variant Classification Sherloc (09022015). Collection method: clinical testing. Allele origin: germline.
Comment: This sequence change replaces isoleucine, which is neutral and non-polar, with methionine, which is neutral and non-polar, at codon 100 of the KCNK4 protein (p.Ile100Met). This variant is present in population databases (rs763746881, gnomAD 0.03%). This variant has not been reported in the literature in individuals affected with KCNK4-related conditions. ClinVar contains an entry for this variant (Variation ID: 2878097). An algorithm developed to predict the effect of missense changes on protein structure and function (PolyPhen-2) suggests that this variant is likely to be disruptive. In summary, the available evidence is currently insufficient to determine the role of this variant in disease. Therefore, it has been classified as a Variant of Uncertain Significance.